The following is an entry in ClinVar:

NM_000135.4(FANCA):c.467T>A (p.Leu156Ter)

Gene: FANCA (FA complementation group A; minus strand). Cytogenetic location: 16q24.3.
Variant type: single nucleotide variant.
Coding change: c.467T>A on transcript NM_000135.4 (MANE Select); coding-DNA position 467, T replaced by A.
Protein change: p.Leu156Ter; replaces leucine 156 with a stop codon.
Molecular consequence: nonsense. On other transcripts: intron variant (1).
Genome position (GRCh38, 1-based): chr16:89,810,762, A>T on the plus strand (T>A on the coding strand, the complement: FANCA is on the minus strand). VCF-style: chr16-89810762-A-T. GRCh37 (hg19) VCF-style: chr16-89877170-A-T.
Other names: c.467T>A, p.Leu156Ter (NM_001018112.3, NM_001286167.3); c.426+167T>A (NM_001351830.2); short protein forms L156*.
Identifiers: ClinVar variation 984165 (VCV000984165.3), dbSNP rs1419169954, ClinGen allele CA397480757.

ClinVar aggregate classification (germline): Likely pathogenic (1 of 4 stars; one submission).

Conditions:
Fanconi anemia complementation group A (FANCA). Also called: Fanconi anemia, group A; FANCA-Related Fanconi Anemia. Identifiers: Orphanet 84, MedGen C3469521, MONDO:0009215, OMIM 227650.

Submission:

Myriad Genetics, Inc.
Classification: Likely pathogenic for Fanconi anemia complementation group A. Last evaluated: 2019-10-11. Review status: criteria provided, single submitter. Criteria: Myriad Women's Health Autosomal Recessive and X-Linked Classification Criteria (2019). Collection method: clinical testing. Allele origin: unknown.
Comment: NM_000135.2(FANCA):c.467T>A(L156*) is expected to be pathogenic in the context of Fanconi anemia complementation group A. This variant is predicted to lead to an abnormal or absent protein product due to the creation of a premature termination codon in FANCA, a gene where loss-of-function variants are known to be pathogenic. Please note: this variant was assessed in the context of healthy population screening.